The following is an entry in ClinVar:

NM_005744.5(ARIH1):c.1475A>G (p.Glu492Gly)

Gene: ARIH1 (ariadne RBR E3 ubiquitin protein ligase 1; plus strand). Cytogenetic location: 15q24.1.
Variant type: single nucleotide variant.
Coding change: c.1475A>G on transcript NM_005744.5 (MANE Select); coding-DNA position 1475, A replaced by G.
Protein change: p.Glu492Gly; replaces glutamic acid 492 with glycine.
Molecular consequence: missense variant.
Genome position (GRCh38, 1-based): chr15:72,580,990, A>G. VCF-style: chr15-72580990-A-G. GRCh37 (hg19) VCF-style: chr15-72873331-A-G.
Other names: p.E492G; short protein forms E492G.
Identifiers: ClinVar variation 4886761 (VCV004886761.1).

ClinVar aggregate classification (oncogenicity): Uncertain significance (1 of 4 stars; one submission).

Conditions:
Inflammatory myofibroblastic tumor of the urinary bladder.

Submission:

Department of Urology, Affiliated Hospital of Jining Medical University
Classification: Uncertain significance for Inflammatory myofibroblastic tumor of the urinary bladder. Last evaluated: 2026-08-17. Review status: criteria provided, single submitter. Criteria: ClinGen/CGC/VICC Guidelines for Oncogenicity, 2022. Collection method: research. Allele origin: somatic. Affected: yes. Observed: 1 variant allele.
Comment: Tumor-normal WES detected ARIH1 c.1475A>G (p.E492G) at VAF 21.0% and depth 219 reads; the variant was absent from matched peripheral blood. It was predicted deleterious by SIFT, PolyPhen-2, REVEL and CADD, but ARIH1 is not an established recurrent driver in urinary bladder IMT.

Reference genome used for genomic analysis: hg19/GRCh37.